The following is an entry in ClinVar:

NM_002528.7(NTHL1):c.70T>C (p.Cys24Arg)

Gene: NTHL1 (nth like DNA glycosylase 1; minus strand). Cytogenetic location: 16p13.3.
Variant type: single nucleotide variant.
Coding change: c.70T>C on transcript NM_002528.7 (MANE Select); coding-DNA position 70, T replaced by C.
Protein change: p.Cys24Arg; replaces cysteine 24 with arginine.
Molecular consequence: missense variant. On other transcripts: 5 prime UTR variant (1).
Genome position (GRCh38, 1-based): chr16:2,047,754, A>G on the plus strand (T>C on the coding strand, the complement: NTHL1 is on the minus strand). VCF-style: chr16-2047754-A-G. GRCh37 (hg19) VCF-style: chr16-2097755-A-G.
Other names: c.70T>C, p.Cys24Arg (NM_001318193.2); c.-109T>C (NM_001318194.2); short protein forms C24R.
Identifiers: ClinVar variation 1767185 (VCV001767185.2), dbSNP rs1596227962, ClinGen allele CA394298401.
Genomic context (GRCh38, chr16:2,047,754, plus strand): 5'-ACGGCGCGGCGCTACCTGCTGCAGCCTCTCTTCTCCGGAGAGGCCCGGGCTCCTCCCTAC[A>G]CCCCCGCGGCCCAGCCCCGGGTCCCAGGCTCCGGCTCCGGGTCAGCATCCTCGCGCTCAA-3'
Protein context (NP_002519.2, residues 14-34): SLGPGAGPRG[Cys24Arg]REEPGPLRRR

ClinVar aggregate classification (germline): Uncertain significance (1 of 4 stars; one submission).

Conditions:
Hereditary cancer-predisposing syndrome. Also called: Hereditary Cancer Syndrome; Hereditary neoplastic syndrome; Neoplastic Syndromes, Hereditary; Tumor predisposition. Identifiers: Orphanet 140162, MedGen C0027672, MeSH D009386, MONDO:0015356.

Submission:

Ambry Genetics
Classification: Uncertain significance for Hereditary cancer-predisposing syndrome. Last evaluated: 2022-05-16. Review status: criteria provided, single submitter. Criteria: Ambry Variant Classification Scheme 2023. Collection method: clinical testing. Allele origin: germline.
Comment: The p.C32R variant (also known as c.94T>C), located in coding exon 1 of the NTHL1 gene, results from a T to C substitution at nucleotide position 94. The cysteine at codon 32 is replaced by arginine, an amino acid with highly dissimilar properties. This amino acid position is conserved. In addition, this alteration is predicted to be tolerated by in silico analysis. Since supporting evidence is limited at this time, the clinical significance of this alteration remains unclear.